The following is an entry in ClinVar:

ClinVar aggregate classification (germline): Uncertain significance (1 of 4 stars; one submission).

Allele frequency attached by ClinVar (database versions not stated): TOPMed below 0.00001; gnomAD 0.00001; gnomAD exomes 0.00001.
gnomAD v4.1: 4 of 1,613,994 alleles (0.00025%); highest among the groups gnomAD compares: Non-Finnish European, 0.00034%; no homozygotes.

Submission:

Labcorp Genetics (formerly Invitae), Labcorp
Classification: Uncertain significance. Last evaluated: 2024-02-19. Review status: criteria provided, single submitter. Criteria: Invitae Variant Classification Sherloc (09022015). Collection method: clinical testing. Allele origin: germline.
Comment: This sequence change replaces isoleucine, which is neutral and non-polar, with methionine, which is neutral and non-polar, at codon 416 of the RNF31 protein (p.Ile416Met). This variant is present in population databases (no rsID available, gnomAD 0.002%). This variant has not been reported in the literature in individuals affected with RNF31-related conditions. ClinVar contains an entry for this variant (Variation ID: 1450678). An algorithm developed to predict the effect of missense changes on protein structure and function (PolyPhen-2) suggests that this variant is likely to be tolerated. In summary, the available evidence is currently insufficient to determine the role of this variant in disease. Therefore, it has been classified as a Variant of Uncertain Significance.

NM_017999.5(RNF31):c.1248T>G (p.Ile416Met)

Gene: RNF31 (ring finger protein 31; plus strand). Cytogenetic location: 14q12.
Variant type: single nucleotide variant.
Coding change: c.1248T>G on transcript NM_017999.5 (MANE Select); coding-DNA position 1248, T replaced by G.
Protein change: p.Ile416Met; replaces isoleucine 416 with methionine.
Molecular consequence: missense variant.
Genome position (GRCh38, 1-based): chr14:24,150,648, T>G. VCF-style: chr14-24150648-T-G. GRCh37 (hg19) VCF-style: chr14-24619857-T-G.
Other names: c.795T>G, p.Ile265Met (NM_001310332.2); short protein forms I416M, I265M.
Identifiers: ClinVar variation 1450678 (VCV001450678.8), dbSNP rs1326476418, ClinGen allele CA389292767.